The following is an entry in ClinVar:

NM_003664.5(AP3B1):c.3128A>G (p.His1043Arg)

Gene: AP3B1 (adaptor related protein complex 3 subunit beta 1; minus strand). Cytogenetic location: 5q14.1.
Variant type: single nucleotide variant.
Coding change: c.3128A>G on transcript NM_003664.5 (MANE Select); coding-DNA position 3128, A replaced by G.
Protein change: p.His1043Arg; replaces histidine 1043 with arginine.
Molecular consequence: missense variant.
Genome position (GRCh38, 1-based): chr5:78,015,413, T>C on the plus strand (A>G on the coding strand, the complement: AP3B1 is on the minus strand). VCF-style: chr5-78015413-T-C. GRCh37 (hg19) VCF-style: chr5-77311237-T-C.
Other names: c.2981A>G, p.His994Arg (NM_001271769.2); short protein forms H1043R, H994R.
Identifiers: ClinVar variation 1391747 (VCV001391747.6), dbSNP rs2112054033, ClinGen allele CA360332690.

ClinVar aggregate classification (germline): Uncertain significance (1 of 4 stars; one submission).

Conditions:
Hermansky-Pudlak syndrome 2 (HPS2). Also called: Platelet defects and oculocutaneous albinism. Identifiers: Orphanet 183678, Orphanet 79430, MedGen C1842362, MONDO:0011997, OMIM 608233.

Submission:

Labcorp Genetics (formerly Invitae), Labcorp
Classification: Uncertain significance for Hermansky-Pudlak syndrome 2. Last evaluated: 2021-09-15. Review status: criteria provided, single submitter. Criteria: Invitae Variant Classification Sherloc (09022015). Collection method: clinical testing. Allele origin: germline.
Comment: In summary, the available evidence is currently insufficient to determine the role of this variant in disease. Therefore, it has been classified as a Variant of Uncertain Significance. Algorithms developed to predict the effect of missense changes on protein structure and function (SIFT, PolyPhen-2, Align-GVGD) all suggest that this variant is likely to be tolerated. This variant has not been reported in the literature in individuals affected with AP3B1-related conditions. This variant is not present in population databases (ExAC no frequency). This sequence change replaces histidine with arginine at codon 1043 of the AP3B1 protein (p.His1043Arg). The histidine residue is weakly conserved and there is a small physicochemical difference between histidine and arginine.